The following is an entry in ClinVar:

ClinVar aggregate classification (germline): Conflicting classifications of pathogenicity. Review status: criteria provided, conflicting classifications (1 of 4 stars). 3 submissions from 3 submitters: Uncertain significance (2); Likely benign (1). Last evaluated 2025-09-03.

Conditions:
Dilated cardiomyopathy 1DD (CMD1DD). Identifiers: Orphanet 154, MedGen C2750995, MONDO:0013168, OMIM 613172.
Cardiovascular phenotype. Identifiers: MedGen CN230736.

Allele frequency attached by ClinVar (database versions not stated): gnomAD exomes 0.00001; TOPMed 0.00003; gnomAD 0.00013.
gnomAD v4.1: 22 of 1,551,698 alleles (0.0014%); highest among the groups gnomAD compares: African/African-American, 0.0027%; no homozygotes.

Submissions (3):

Labcorp Genetics (formerly Invitae), Labcorp
Classification: Likely benign for Dilated cardiomyopathy 1DD. Last evaluated: 2025-09-03. Review status: criteria provided, single submitter. Criteria: Invitae Variant Classification Sherloc (09022015). Collection method: clinical testing. Allele origin: germline.

Ambry Genetics
Classification: Uncertain significance for Cardiovascular phenotype. Last evaluated: 2023-03-16. Review status: criteria provided, single submitter. Criteria: Ambry Variant Classification Scheme 2023. Collection method: clinical testing. Allele origin: germline.
Comment: The p.G377S variant (also known as c.1129G>A), located in coding exon 2 of the RBM20 gene, results from a G to A substitution at nucleotide position 1129. The glycine at codon 377 is replaced by serine, an amino acid with similar properties. This amino acid position is not well conserved in available vertebrate species, and serine is the reference amino acid in other vertebrate species. In addition, this alteration is predicted to be tolerated by in silico analysis. Since supporting evidence is limited at this time, the clinical significance of this alteration remains unclear.

GeneDx
Classification: Uncertain significance. Last evaluated: 2020-02-03. Review status: criteria provided, single submitter. Criteria: GeneDx Variant Classification Process June 2021. Collection method: clinical testing. Allele origin: germline. Affected: yes.
Comment: In silico analysis supports that this missense variant does not alter protein structure/function; Has not been previously published as pathogenic or benign to our knowledge

NM_001134363.3(RBM20):c.1129G>A (p.Gly377Ser)

Gene: RBM20 (RNA binding motif protein 20; plus strand). Cytogenetic location: 10q25.2.
Variant type: single nucleotide variant.
Coding change: c.1129G>A on transcript NM_001134363.3 (MANE Select); coding-DNA position 1129, G replaced by A.
Protein change: p.Gly377Ser; replaces glycine 377 with serine.
Molecular consequence: missense variant.
Genome position (GRCh38, 1-based): chr10:110,781,738, G>A. VCF-style: chr10-110781738-G-A. GRCh37 (hg19) VCF-style: chr10-112541496-G-A.
Other names: c.1129G>A (LRG_382t1); short protein forms G377S.
Identifiers: ClinVar variation 393136 (VCV000393136.15), dbSNP rs923358109, ClinGen allele CA16605968.